The following is an entry in ClinVar:

NM_000128.4(F11):c.965C>T (p.Thr322Ile)

Gene: F11 (coagulation factor XI; plus strand). Cytogenetic location: 4q35.2.
Variant type: single nucleotide variant.
Coding change: c.965C>T on transcript NM_000128.4 (MANE Select); coding-DNA position 965, C replaced by T.
Protein change: p.Thr322Ile; replaces threonine 322 with isoleucine.
Molecular consequence: missense variant.
Genome position (GRCh38, 1-based): chr4:186,280,322, C>T. VCF-style: chr4-186280322-C-T. GRCh37 (hg19) VCF-style: chr4-187201476-C-T.
Other names: short protein forms T322I.
Identifiers: ClinVar variation 68207 (VCV000068207.6), dbSNP rs281875269, ClinGen allele CA219168.

ClinVar aggregate classification (germline): Pathogenic/Likely pathogenic. Review status: criteria provided, multiple submitters, no conflicts (2 of 4 stars). 6 submissions from 6 submitters: Pathogenic (1); Likely pathogenic (4). 1 of the submissions does not count toward it. Last evaluated 2026-03-30.

Conditions:
Plasma factor XI deficiency.
Hereditary factor XI deficiency disease. Also called: Congenital factor XI deficiency; PLASMA THROMBOPLASTIN ANTECEDENT DEFICIENCY; PTA DEFICIENCY; ROSENTHAL SYNDROME. Identifiers: Orphanet 329, MedGen C0015523, MeSH D005173, MONDO:0012897, OMIM 612416.

Allele frequency attached by ClinVar (database versions not stated): gnomAD exomes 0.00002 and 0.00003; TOPMed 0.00003; gnomAD 0.00001; ExAC 0.00003; ESP Exome Variant Server 0.00008.
gnomAD v4.1: 41 of 1,614,058 alleles (0.0025%); highest among the groups gnomAD compares: Non-Finnish European, 0.0032%; no homozygotes.

Submissions (6):

Women's Health and Genetics/Laboratory Corporation of America, LabCorp
Classification: Pathogenic for Hereditary factor XI deficiency disease. Last evaluated: 2026-03-30. Review status: criteria provided, single submitter. Criteria: LabCorp Variant Classification Summary - May 2015. Collection method: clinical testing. Allele origin: germline.
Comment: Variant summary: F11 c.965C>T (p.Thr322Ile) results in a non-conservative amino acid change in the encoded protein sequence. Algorithms developed to predict the effect of missense changes on protein structure and function all suggest that this variant is likely to be disruptive. The variant allele was found at a frequency of 1.6e-05 in 251374 control chromosomes (gnomAD). c.965C>T has been observed in individuals affected with AD-Hereditary Factor XI Deficiency Disease (e.g. Mitchell_2006, Esteban_2017), as well as a homozygous individual with AR-Hereditary Factor XI Deficiency Disease (Quelin_2005). These data indicate that the variant is likely to be associated with disease. At least one publication reports experimental evidence evaluating an impact on protein function, finding that the variant resulted in a substantial loss of secreted F11 protein (Pugh_1995). The following publications have been ascertained in the context of this evaluation (PMID: 7888672, 16079124, 28960694, 16835901). ClinVar contains an entry for this variant (Variation ID: 68207). Based on the evidence outlined above, the variant was classified as pathogenic for AD-Hereditary Factor XI Deficiency Disease and AR-Hereditary Factor XI Deficiency Disease.

Variantyx, Inc.
Classification: Likely pathogenic for Hereditary factor XI deficiency disease. Last evaluated: 2025-12-25. Review status: criteria provided, single submitter. Criteria: Variantyx Assertion Criteria 2022. Collection method: clinical testing. Allele origin: germline. Inheritance: Semidominant inheritance.
Comment: This is a nonsynonymous variant in the F11 gene (OMIM: 264900). Pathogenic variants in this gene have been associated with semidominant factor XI deficiency. This variant has been reported in at least 4 unrelated affected individuals (PMID: 7888672, 28960694, 16835901, 16079124) (PS4_Moderate). It lies within a known hotspot for pathogenic variants or a well-established critical functional domain of the F11 protein (PM1). Multiple computational algorithms predict a deleterious effect for this variant (REVEL score: 0.667) (PP3). This variant has a 0.0032% maximum allele frequency in non-founder control populations (PM2). Based on the current evidence, this variant is classified as likely pathogenic for semidominant factor XI deficiency.

Natera, Inc.
Classification: Likely pathogenic for Plasma factor XI deficiency. Last evaluated: 2025-08-15. Review status: criteria provided, single submitter. Criteria: Natera Variant Classification Schema (03/2026). Collection method: clinical testing. Allele origin: germline.
Comment: The c.965C>T variant in F11 is a missense variant predicted to cause substitution of threonine to isoleucine at amino acid 322. This variant is rare in the general population with a frequency below the threshold expected for the associated phenotype(s). This variant has been observed in one or more individuals affected with the associated recessive disease, as either homozygous or compound heterozygous with a second variant (PMID: 16079124, 37336435). Functional studies show that this variant may disrupt protein function (PMID: 7888672, 16079124). Computational prediction algorithms indicate this variant is likely to affect gene or protein function. Given the available evidence, this variant is classified as Likely Pathogenic.

Mayo Clinic Laboratories, Mayo Clinic
Classification: Likely pathogenic. Last evaluated: 2025-05-15. Review status: criteria provided, single submitter. Criteria: ACMG Guidelines, 2015. Collection method: clinical testing. Allele origin: germline. Observed: 1 variant allele.
Comment: PP3, PM2_supporting, PS3_moderate, PS4

Genetics and Molecular Pathology, SA Pathology
Classification: Likely pathogenic for Hereditary factor XI deficiency disease. Last evaluated: 2020-12-18. Review status: criteria provided, single submitter. Criteria: ACMG Guidelines, 2015. Collection method: clinical testing. Allele origin: germline. Affected: yes.

UniProtKB/Swiss-Prot
No classification provided. Review status: no classification provided. Collection method: not provided. Allele origin: not provided. Not counted in ClinVar's aggregate classification.

Literature cited by the submitters: PubMed 16835901 (cited by 3 submitters); PubMed 28960694 (cited by 3 submitters); PubMed 7888672 (cited by 4 submitters); PubMed 16079124 (cited by 3 submitters); PubMed 37336435 (cited by Natera, Inc. and Mayo Clinic Laboratories, Mayo Clinic).